The following is an entry in ClinVar:

ClinVar aggregate classification (germline): Uncertain significance (1 of 4 stars; one submission).

Allele frequency attached by ClinVar (database versions not stated): TOPMed below 0.00001; gnomAD 0.00001; ExAC 0.00005.

Submission:

GeneDx
Classification: Uncertain significance. Last evaluated: 2023-04-13. Review status: criteria provided, single submitter. Criteria: GeneDx Variant Classification Process June 2021. Collection method: clinical testing. Allele origin: germline. Affected: yes.
Comment: Not observed at significant frequency in large population cohorts (gnomAD); In silico analysis supports that this missense variant has a deleterious effect on protein structure/function; Has not been previously published as pathogenic or benign to our knowledge

NM_001009944.3(PKD1):c.9172C>T (p.Pro3058Ser)

Gene: PKD1 (polycystin 1, transient receptor potential channel interacting; minus strand). Cytogenetic location: 16p13.3.
Variant type: single nucleotide variant.
Coding change: c.9172C>T on transcript NM_001009944.3 (MANE Select); coding-DNA position 9172, C replaced by T.
Protein change: p.Pro3058Ser; replaces proline 3058 with serine.
Molecular consequence: missense variant.
Genome position (GRCh38, 1-based): chr16:2,102,410, G>A on the plus strand (C>T on the coding strand, the complement: PKD1 is on the minus strand). VCF-style: chr16-2102410-G-A. GRCh37 (hg19) VCF-style: chr16-2152411-G-A.
Other names: c.9172C>T, p.Pro3058Ser (NM_000296.4); short protein forms P3058S.
Identifiers: ClinVar variation 2663572 (VCV002663572.1), dbSNP rs752906217, ClinGen allele CA7830175.
Genomic context (GRCh38, chr16:2,102,410, plus strand): 5'-CAGAGGCTCCCAGGAGCACAGGGTCACTCACAGGAAACACAAAGCGGACATGGCTTGGGG[G>A]CACGAAGAGGCTGGCGCCGAAGGCGGTGAGGTGGCGGGTGAGGCAGACGGCCTGGCGGGG-3'
Protein context (NP_001009944.3, residues 3048-3068): LTAFGASLFV[Pro3058Ser]PSHVRFVFPE